The following is an entry in ClinVar:

ClinVar aggregate classification (germline): Likely benign. Review status: criteria provided, multiple submitters, no conflicts (2 of 4 stars). 3 submissions from 3 submitters: Likely benign (2). 1 of the submissions does not count toward it. Last evaluated 2024-11-25.

Conditions:
CFAP251-related disorder. Also called: CFAP251-related condition.

Allele frequency attached by ClinVar (database versions not stated): 1000 Genomes Project 0.00060; 1000 Genomes Project 30x 0.00078; ExAC 0.00104; gnomAD 0.00143; TOPMed 0.00154; gnomAD exomes 0.00161; ESP Exome Variant Server 0.00181.
gnomAD v4.1: 2,534 of 1,606,596 alleles (0.16%); highest among the groups gnomAD compares: Non-Finnish European, 0.19%; 3 homozygotes.

Submissions (3):

Blueprint Genetics
Classification: Likely benign. Last evaluated: 2024-11-25. Review status: criteria provided, single submitter. Criteria: ACMG Guidelines, 2015. Collection method: clinical testing. Allele origin: germline.

CeGaT Center for Human Genetics Tuebingen
Classification: Likely benign. Last evaluated: 2023-04-01. Review status: criteria provided, single submitter. Criteria: CeGaT Center For Human Genetics Tuebingen Variant Classification Criteria Version 2. Collection method: clinical testing. Allele origin: germline. Affected: yes. Observed: 3 variant alleles.
Comment: CFAP251: BP4, BP7

PreventionGenetics, part of Exact Sciences
Classification: Likely benign for CFAP251-related condition. Last evaluated: 2019-12-03. Review status: no assertion criteria provided. Collection method: clinical testing. Allele origin: germline. Not counted in ClinVar's aggregate classification.
Comment: This variant is classified as likely benign based on ACMG/AMP sequence variant interpretation guidelines (Richards et al. 2015 PMID: 25741868, with internal and published modifications).

NM_144668.6(CFAP251):c.2910C>T (p.Ile970=)

Gene: CFAP251 (cilia and flagella associated protein 251; plus strand). Cytogenetic location: 12q24.31.
Variant type: single nucleotide variant.
Coding change: c.2910C>T on transcript NM_144668.6 (MANE Select); coding-DNA position 2910, C replaced by T.
Protein change: p.Ile970=; no amino-acid change (isoleucine 970 retained).
Molecular consequence: synonymous variant.
Genome position (GRCh38, 1-based): chr12:121,975,589, C>T. VCF-style: chr12-121975589-C-T. GRCh37 (hg19) VCF-style: chr12-122413495-C-T.
Other names: c.2910C>T (NM_144668.5).
Identifiers: ClinVar variation 1879245 (VCV001879245.31), dbSNP rs180698776, ClinGen allele CA6841038.
Genomic context (GRCh38, chr12:121,975,589, plus strand): 5'-TATTCCTACATAGGAGCTAGAAGACTACTTCTACTATTCTCAGCTCCGCAGTCAAGGCAT[C>T]GACACAATGGAGACCAGAAAGGTGTCAGAACACATTTGCCTGTCAGAGCTTCCTTTTGTC-3'
Protein context (NP_653269.3, residues 960-980): FYYSQLRSQG[Ile970=]DTMETRKVSE